The following is an entry in ClinVar:

NM_015978.3(TNNI3K):c.1333A>G (p.Ile445Val)

Genes: FPGT-TNNI3K (FPGT-TNNI3K readthrough; plus strand), TNNI3K (TNNI3 interacting kinase; plus strand). Cytogenetic location: 1p31.1.
Variant type: single nucleotide variant.
Coding change: c.1333A>G on transcript NM_015978.3 (MANE Select); coding-DNA position 1333, A replaced by G.
Protein change: p.Ile445Val; replaces isoleucine 445 with valine.
Molecular consequence: missense variant.
Genome position (GRCh38, 1-based): chr1:74,369,033, A>G. VCF-style: chr1-74369033-A-G. GRCh37 (hg19) VCF-style: chr1-74834717-A-G.
Other names: c.1636A>G, p.Ile546Val (NM_001112808.3, NM_001199327.2); short protein forms I445V, I546V.
Identifiers: ClinVar variation 1499898 (VCV001499898.8), dbSNP rs147391967, ClinGen allele CA909260.

ClinVar aggregate classification (germline): Conflicting classifications of pathogenicity. Review status: criteria provided, conflicting classifications (1 of 4 stars). 3 submissions from 3 submitters: Uncertain significance (2); Likely benign (1). Last evaluated 2025-11-25.

Conditions:
TNNI3K-related disorder. Also called: TNNI3K-related condition.
Inborn genetic diseases. Identifiers: MedGen C0950123, MeSH D030342.

Allele frequency attached by ClinVar (database versions not stated): gnomAD exomes below 0.00001 and 0.00003; ExAC 0.00004; gnomAD 0.00011 and 0.00012; TOPMed 0.00013; ESP Exome Variant Server 0.00023.
gnomAD v4.1: 22 of 1,600,786 alleles (0.0014%); highest among the groups gnomAD compares: African/African-American, 0.027%; no homozygotes.

Submissions (3):

Labcorp Genetics (formerly Invitae), Labcorp
Classification: Uncertain significance. Last evaluated: 2025-11-25. Review status: criteria provided, single submitter. Criteria: Invitae Variant Classification Sherloc (09022015). Collection method: clinical testing. Allele origin: germline.
Comment: This sequence change replaces isoleucine, which is neutral and non-polar, with valine, which is neutral and non-polar, at codon 445 of the TNNI3K protein (p.Ile445Val). This variant is present in population databases (rs147391967, gnomAD 0.04%). This variant has not been reported in the literature in individuals affected with TNNI3K-related conditions. ClinVar contains an entry for this variant (Variation ID: 1499898). Invitae Evidence Modeling of protein sequence and biophysical properties (such as structural, functional, and spatial information, amino acid conservation, physicochemical variation, residue mobility, and thermodynamic stability) indicates that this missense variant is not expected to disrupt TNNI3K protein function with a negative predictive value of 80%. In summary, the available evidence is currently insufficient to determine the role of this variant in disease. Therefore, it has been classified as a Variant of Uncertain Significance.

Ambry Genetics
Classification: Likely benign for Inborn genetic diseases. Last evaluated: 2025-01-18. Review status: criteria provided, single submitter. Criteria: Ambry Variant Classification Scheme 2023. Collection method: clinical testing. Allele origin: germline.

PreventionGenetics, part of Exact Sciences
Classification: Uncertain significance for TNNI3K-related condition. Last evaluated: 2023-09-27. Review status: criteria provided, single submitter. Criteria: ACMG Guidelines, 2015. Collection method: clinical testing. Allele origin: germline.
Comment: The TNNI3K c.1333A>G variant is predicted to result in the amino acid substitution p.Ile445Val. To our knowledge, this variant has not been reported in the literature. This variant is reported in 0.041% of alleles in individuals of African descent in gnomAD. At this time, the clinical significance of this variant is uncertain due to the absence of conclusive functional and genetic evidence.